The following is an entry in ClinVar:

ClinVar aggregate classification (germline): Benign (1 of 4 stars; one submission).

Allele frequency attached by ClinVar (database versions not stated): gnomAD exomes 0.35067; 1000 Genomes Project 0.40915; 1000 Genomes Project 30x 0.41427; gnomAD 0.41701 and 0.42309; TOPMed 0.42680.
gnomAD v4.1: 236,571 of 644,994 alleles (37%); highest among the groups gnomAD compares: African/African-American, 60%; 46,635 homozygotes.

Submission:

GeneDx
Classification: Benign. Last evaluated: 2018-06-14. Review status: criteria provided, single submitter. Criteria: GeneDx Variant Classification (06012015). Collection method: clinical testing. Allele origin: germline. Affected: yes.
Comment: This variant is considered likely benign or benign based on one or more of the following criteria: it is a conservative change, it occurs at a poorly conserved position in the protein, it is predicted to be benign by multiple in silico algorithms, and/or has population frequency not consistent with disease.

NM_024996.7(GFM1):c.998+150G>A

Gene: GFM1 (G elongation factor mitochondrial 1; plus strand). Cytogenetic location: 3q25.32.
Variant type: single nucleotide variant.
Coding change: c.998+150G>A on transcript NM_024996.7 (MANE Select); 150 bases into the intron after coding-DNA position 998, G replaced by A.
Molecular consequence: intron variant.
Genome position (GRCh38, 1-based): chr3:158,653,617, G>A. VCF-style: chr3-158653617-G-A. GRCh37 (hg19) VCF-style: chr3-158371406-G-A.
Other names: c.1055+150G>A (NM_001308164.2, NM_001374355.1); c.773+150G>A (NM_001374357.1); c.881+150G>A (NM_001374356.1); c.431+150G>A (NM_001374359.1, NM_001374360.1); c.314+150G>A (NM_001374361.1); c.539+150G>A (NM_001374358.1); c.998+150G>A (NM_001308166.2).
Identifiers: ClinVar variation 669751 (VCV000669751.1), dbSNP rs9858849, ClinGen allele CA86501215.